The following is an entry in ClinVar:

NM_181712.5(KANK4):c.618T>A (p.Pro206=)

Gene: KANK4 (KN motif and ankyrin repeat domains 4; minus strand). Cytogenetic location: 1p31.3.
Variant type: single nucleotide variant.
Coding change: c.618T>A on transcript NM_181712.5 (MANE Select); coding-DNA position 618, T replaced by A.
Protein change: p.Pro206=; no amino-acid change (proline 206 retained).
Molecular consequence: synonymous variant. On other transcripts: intron variant (1).
Genome position (GRCh38, 1-based): chr1:62,274,486, A>T on the plus strand (T>A on the coding strand, the complement: KANK4 is on the minus strand). VCF-style: chr1-62274486-A-T. GRCh37 (hg19) VCF-style: chr1-62740158-A-T.
Other names: c.17-2897T>A (NM_001320269.2); c.618T>A (NM_181712.4).
Identifiers: ClinVar variation 2051919 (VCV002051919.6), dbSNP rs146543306, ClinGen allele CA884534.

ClinVar aggregate classification (germline): Benign. Review status: criteria provided, single submitter (1 of 4 stars). 2 submissions from 2 submitters: Benign (1). 1 of the submissions does not count toward it. Last evaluated 2025-10-24.

Conditions:
KANK4-related disorder. Also called: KANK4-related condition.

Allele frequency attached by ClinVar (database versions not stated): gnomAD exomes 0.00011; ExAC 0.00045; 1000 Genomes Project 30x 0.00109; gnomAD 0.00135; 1000 Genomes Project 0.00140; TOPMed 0.00143; ESP Exome Variant Server 0.00161.
gnomAD v4.1: 373 of 1,614,194 alleles (0.023%); highest among the groups gnomAD compares: African/African-American, 0.46%; 2 homozygotes.

Submissions (2):

Labcorp Genetics (formerly Invitae), Labcorp
Classification: Benign. Last evaluated: 2025-10-24. Review status: criteria provided, single submitter. Criteria: Invitae Variant Classification Sherloc (09022015). Collection method: clinical testing. Allele origin: germline.

PreventionGenetics, part of Exact Sciences
Classification: Likely benign for KANK4-related condition. Last evaluated: 2019-08-05. Review status: no assertion criteria provided. Collection method: clinical testing. Allele origin: germline. Not counted in ClinVar's aggregate classification.
Comment: This variant is classified as likely benign based on ACMG/AMP sequence variant interpretation guidelines (Richards et al. 2015 PMID: 25741868, with internal and published modifications).